The following is an entry in ClinVar:

NM_001164665.2(KIAA1549):c.1463G>T (p.Arg488Ile)

Gene: KIAA1549 (KIAA1549; minus strand). Cytogenetic location: 7q34.
Variant type: single nucleotide variant.
Coding change: c.1463G>T on transcript NM_001164665.2 (MANE Select); coding-DNA position 1463, G replaced by T.
Protein change: p.Arg488Ile; replaces arginine 488 with isoleucine.
Molecular consequence: missense variant.
Genome position (GRCh38, 1-based): chr7:138,918,163, C>A on the plus strand (G>T on the coding strand, the complement: KIAA1549 is on the minus strand). VCF-style: chr7-138918163-C-A. GRCh37 (hg19) VCF-style: chr7-138602909-C-A.
Other names: c.1463G>T, p.Arg488Ile (NM_020910.3); short protein forms R488I.
Identifiers: ClinVar variation 2006513 (VCV002006513.4), dbSNP rs2485558966, ClinGen allele CA369398565.

ClinVar aggregate classification (germline): Uncertain significance (1 of 4 stars; one submission).

gnomAD v4.1: 4 of 1,613,856 alleles (0.00025%); highest among the groups gnomAD compares: South Asian, 0.0044%; no homozygotes.

Submission:

Labcorp Genetics (formerly Invitae), Labcorp
Classification: Uncertain significance. Last evaluated: 2022-06-14. Review status: criteria provided, single submitter. Criteria: Invitae Variant Classification Sherloc (09022015). Collection method: clinical testing. Allele origin: germline.
Comment: In summary, the available evidence is currently insufficient to determine the role of this variant in disease. Therefore, it has been classified as a Variant of Uncertain Significance. Algorithms developed to predict the effect of missense changes on protein structure and function are either unavailable or do not agree on the potential impact of this missense change (SIFT: "Deleterious"; PolyPhen-2: "Probably Damaging"; Align-GVGD: "Class C0"). This variant has not been reported in the literature in individuals affected with KIAA1549-related conditions. This variant is not present in population databases (gnomAD no frequency). This sequence change replaces arginine, which is basic and polar, with isoleucine, which is neutral and non-polar, at codon 488 of the KIAA1549 protein (p.Arg488Ile).